The following is an entry in ClinVar:

ClinVar aggregate classification (germline): Benign/Likely benign. Review status: criteria provided, multiple submitters, no conflicts (2 of 4 stars). 5 submissions from 5 submitters: Benign (4); Likely benign (1). Last evaluated 2026-02-01.

Conditions:
Retinal cone dystrophy 4 (RCD4). Identifiers: Orphanet 1872, MedGen C1864849, MONDO:0012507, OMIM 610478.

Allele frequency attached by ClinVar (database versions not stated): ESP Exome Variant Server 0.00476; TOPMed 0.00565; 1000 Genomes Project 0.01677; 1000 Genomes Project 30x 0.01765.

Submissions (5):

Labcorp Genetics (formerly Invitae), Labcorp
Classification: Benign. Last evaluated: 2026-02-01. Review status: criteria provided, single submitter. Criteria: Invitae Variant Classification Sherloc (09022015). Collection method: clinical testing. Allele origin: germline.

Fulgent Genetics
Classification: Likely benign for Retinal cone dystrophy 4. Last evaluated: 2022-05-29. Review status: criteria provided, single submitter. Criteria: ACMG Guidelines, 2015. Collection method: clinical testing. Allele origin: unknown.

Illumina Laboratory Services, Illumina
Classification: Benign for Retinal cone dystrophy 4. Last evaluated: 2018-01-13. Review status: criteria provided, single submitter. Criteria: ICSL Variant Classification Criteria 13 December 2019. Collection method: clinical testing. Allele origin: germline.
Comment: This variant was observed in the ICSL laboratory as part of a predisposition screen in an ostensibly healthy population. It had not been previously curated by ICSL or reported in the Human Gene Mutation Database (HGMD: prior to June 1st, 2018), and was therefore a candidate for classification through an automated scoring system. Utilizing variant allele frequency, disease prevalence and penetrance estimates, and inheritance mode, an automated score was calculated to assess if this variant is too frequent to cause the disease. Based on the score and internal cut-off values, a variant classified as benign is not then subjected to further curation. The score for this variant resulted in a classification of benign for this disease.

Eurofins Ntd Llc (ga)
Classification: Benign. Last evaluated: 2013-12-18. Review status: criteria provided, single submitter. Criteria: EGL Classification Definitions 2015. Collection method: clinical testing. Allele origin: germline. Observed: 1 variant allele, 1 heterozygote.

Breakthrough Genomics
Classification: Benign. Review status: criteria provided, single submitter. Criteria: ACMG Guidelines, 2015. Collection method: not provided. Allele origin: germline. Inheritance: Autosomal recessive inheritance. Affected: yes.

NM_172364.5(CACNA2D4):c.2046C>G (p.Ala682=)

Gene: CACNA2D4 (calcium voltage-gated channel auxiliary subunit alpha2delta 4; minus strand). Cytogenetic location: 12p13.33.
Variant type: single nucleotide variant.
Coding change: c.2046C>G on transcript NM_172364.5 (MANE Select); coding-DNA position 2046, C replaced by G.
Protein change: p.Ala682=; no amino-acid change (alanine 682 retained).
Molecular consequence: synonymous variant.
Genome position (GRCh38, 1-based): chr12:1,856,192, G>C on the plus strand (C>G on the coding strand, the complement: CACNA2D4 is on the minus strand). VCF-style: chr12-1856192-G-C. GRCh37 (hg19) VCF-style: chr12-1965358-G-C.
Identifiers: ClinVar variation 166783 (VCV000166783.20), dbSNP rs116214586, ClinGen allele CA179834.